The following is an entry in ClinVar:

NM_000530.8(MPZ):c.234+5G>A

Gene: MPZ (myelin protein zero; minus strand). Cytogenetic location: 1q23.3.
Variant type: single nucleotide variant.
Coding change: c.234+5G>A on transcript NM_000530.8 (MANE Select); 5 bases into the intron after coding-DNA position 234, G replaced by A.
Molecular consequence: intron variant.
Genome position (GRCh38, 1-based): chr1:161,307,253, C>T on the plus strand (G>A on the coding strand, the complement: MPZ is on the minus strand). VCF-style: chr1-161307253-C-T. GRCh37 (hg19) VCF-style: chr1-161277043-C-T.
Other names: c.234+5G>A (NM_001315491.2).
Identifiers: ClinVar variation 3773665 (VCV003773665.2).

ClinVar aggregate classification (germline): Uncertain significance (1 of 4 stars; one submission).

Conditions:
Charcot-Marie-Tooth disease type 1B. Also called: CHARCOT-MARIE-TOOTH DISEASE, AUTOSOMAL DOMINANT, WITH FOCALLY FOLDED MYELIN SHEATHS, TYPE 1B; CHARCOT-MARIE-TOOTH DISEASE, SLOW NERVE CONDUCTION TYPE, LINKED TO DUFFY; CHARCOT-MARIE-TOOTH NEUROPATHY, TYPE 1B; HEREDITARY MOTOR AND SENSORY NEUROPATHY I; HEREDITARY MOTOR AND SENSORY NEUROPATHY IB; PERONEAL MUSCULAR ATROPHY. Identifiers: Orphanet 101082, MedGen C0270912, MONDO:0007307, OMIM 118200.

Submission:

Institute of Human Genetics, University of Leipzig Medical Center
Classification: Uncertain significance for Charcot-Marie-Tooth disease type 1B. Last evaluated: 2025-03-04. Review status: criteria provided, single submitter. Criteria: ACMG Guidelines, 2015. Collection method: clinical testing. Allele origin: unknown. Inheritance: Autosomal dominant inheritance. Affected: yes.
Comment: Criteria applied: PM2,PP3